The following is an entry in ClinVar:

NM_000829.4(GRIA4):c.2688C>G (p.Val896=)

Gene: GRIA4 (glutamate ionotropic receptor AMPA type subunit 4; plus strand). Cytogenetic location: 11q22.3.
Variant type: single nucleotide variant.
Coding change: c.2688C>G on transcript NM_000829.4 (MANE Select); coding-DNA position 2688, C replaced by G.
Protein change: p.Val896=; no amino-acid change (valine 896 retained).
Molecular consequence: synonymous variant. On other transcripts: 3 prime UTR variant (1), non-coding transcript variant (1).
Genome position (GRCh38, 1-based): chr11:105,979,718, C>G. VCF-style: chr11-105979718-C-G. GRCh37 (hg19) VCF-style: chr11-105850445-C-G.
Other names: c.*146C>G (NM_001077243.3).
Identifiers: ClinVar variation 2642346 (VCV002642346.24), dbSNP rs149657082, ClinGen allele CA6258920.
Genomic context (GRCh38, chr11:105,979,718, plus strand): 5'-TGACTGCCCAAAGGCTGTACACACTGGAACTGCAATCAGACAAAGTTCAGGATTGGCTGT[C>G]ATTGCATCGGACCTACCATAAAAACCAAAAAAATAATTGAGTGCCTTAATTAAACTGTTG-3'
Protein context (NP_000820.4, residues 886-902): TAIRQSSGLA[Val896=]IASDLP

ClinVar aggregate classification (germline): Likely benign (1 of 4 stars; one submission).

Allele frequency attached by ClinVar (database versions not stated): ExAC 0.00008; ESP Exome Variant Server 0.00008; gnomAD exomes 0.00008; TOPMed 0.00004; gnomAD 0.00005.
gnomAD v4.1: 130 of 1,613,690 alleles (0.0081%); highest among the groups gnomAD compares: Middle Eastern, 0.016%; no homozygotes.

Submission:

CeGaT Center for Human Genetics Tuebingen
Classification: Likely benign. Last evaluated: 2022-11-01. Review status: criteria provided, single submitter. Criteria: CeGaT Center For Human Genetics Tuebingen Variant Classification Criteria Version 2. Collection method: clinical testing. Allele origin: germline. Affected: yes. Observed: 1 variant allele.
Comment: GRIA4: BP4, BP7